The following is an entry in ClinVar:

ClinVar aggregate classification (germline): Pathogenic. Review status: criteria provided, multiple submitters, no conflicts (2 of 4 stars). 4 submissions from 4 submitters: Pathogenic (4). Last evaluated 2024-11-13.

Conditions:
Cerebral cavernous malformation 3. Also called: Familial Cerebral Cavernous Malformation 3. Identifiers: Orphanet 221061, MedGen C1864040, MONDO:0011305, OMIM 603285.
PDCD10-related disorder. Also called: PDCD10-related condition.

gnomAD v4.1: 1 of 1,612,540 alleles (0.000062%); highest among the groups gnomAD compares: Non-Finnish European, 0.000085%; no homozygotes.

Submissions (4):

Labcorp Genetics (formerly Invitae), Labcorp
Classification: Pathogenic for Cerebral cavernous malformation 3. Last evaluated: 2024-11-13. Review status: criteria provided, single submitter. Criteria: Invitae Variant Classification Sherloc (09022015). Collection method: clinical testing. Allele origin: germline.
Comment: This sequence change creates a premature translational stop signal (p.Arg108*) in the PDCD10 gene. It is expected to result in an absent or disrupted protein product. Loss-of-function variants in PDCD10 are known to be pathogenic (PMID: 15543491, 18300272, 23801932). This variant is not present in population databases (gnomAD no frequency). This premature translational stop signal has been observed in individual(s) with cerebral cavernous malformations (PMID: 23801932, 25354366). In at least one individual the variant was observed to be de novo. ClinVar contains an entry for this variant (Variation ID: 468330). For these reasons, this variant has been classified as Pathogenic.

Blueprint Genetics
Classification: Pathogenic for PDCD10-related disorders. Last evaluated: 2024-05-28. Review status: criteria provided, single submitter. Criteria: ACMG Guidelines, 2015. Collection method: clinical testing. Allele origin: germline. Affected: yes. Observed: 2 variant alleles.

PreventionGenetics, part of Exact Sciences
Classification: Pathogenic for PDCD10-related condition. Last evaluated: 2023-02-03. Review status: criteria provided, single submitter. Criteria: ACMG Guidelines, 2015. Collection method: clinical testing. Allele origin: germline.
Comment: The PDCD10 c.322C>T variant is predicted to result in premature protein termination (p.Arg108*). This variant has been reported to be causative for cerebral cavernous malformations (CCMs) (Riant et al. 2013. PubMed ID: 23801932; Canavati et al. 2019. PubMed ID: 31111464). This variant has not been reported in a large population database, indicating that it's rare. Nonsense variant in PDCD10 are expected to be pathogenic. This variant is interpreted as pathogenic.

GeneDx
Classification: Pathogenic. Last evaluated: 2021-12-08. Review status: criteria provided, single submitter. Criteria: GeneDx Variant Classification Process June 2021. Collection method: clinical testing. Allele origin: germline. Affected: yes.
Comment: Nonsense variant predicted to result in protein truncation or nonsense mediated decay in a gene for which loss-of-function is a known mechanism of disease; Not observed in large population cohorts (Lek et al., 2016); This variant is associated with the following publications: (PMID: 23801932, 27561926, 25354366, 28645800, 31111464, 33891857)

Literature cited by the submitters: PubMed 15543491 (cited by Labcorp Genetics (formerly Invitae), Labcorp); PubMed 18300272 (cited by Labcorp Genetics (formerly Invitae), Labcorp); PubMed 23801932 (cited by Labcorp Genetics (formerly Invitae), Labcorp); PubMed 25354366 (cited by Labcorp Genetics (formerly Invitae), Labcorp).

NM_007217.4(PDCD10):c.322C>T (p.Arg108Ter)

Gene: PDCD10 (programmed cell death 10; minus strand). Cytogenetic location: 3q26.1.
Variant type: single nucleotide variant.
Coding change: c.322C>T on transcript NM_007217.4 (MANE Select); coding-DNA position 322, C replaced by T.
Protein change: p.Arg108Ter; replaces arginine 108 with a stop codon.
Molecular consequence: nonsense.
Genome position (GRCh38, 1-based): chr3:167,695,669, G>A on the plus strand (C>T on the coding strand, the complement: PDCD10 is on the minus strand). VCF-style: chr3-167695669-G-A. GRCh37 (hg19) VCF-style: chr3-167413457-G-A.
Other names: c.322C>T, p.Arg108Ter (NM_145859.2, NM_145860.2); c.322C>T (NM_145859.1); short protein forms R108*.
Identifiers: ClinVar variation 468330 (VCV000468330.16), dbSNP rs1553760900, ClinGen allele CA355154555.